The following is an entry in ClinVar:

NM_152383.5(DIS3L2):c.2219del (p.Asn740fs)

Gene: DIS3L2 (DIS3 like 3'-5' exoribonuclease 2; plus strand). Cytogenetic location: 2q37.1.
Variant type: Deletion.
Coding change: c.2219del on transcript NM_152383.5 (MANE Select); coding-DNA position 2219, one base deleted (A; older notation c.2219delA).
Protein change: p.Asn740fs; shifts the reading frame from asparagine 740.
Molecular consequence: frameshift variant. On other transcripts: non-coding transcript variant (2), intron variant (1).
Genome position (GRCh38, 1-based): chr2:232,334,429, A deleted; the last of 2 consecutive A bases (chr2:232,334,428-232,334,429); deleting either gives the same sequence. VCF-style (leftmost placement, unchanged base first): chr2-232334427-TA-T. GRCh37 (hg19) VCF-style: chr2-233199137-TA-T.
Other names: c.1582-8916del (NM_001257281.2); short protein forms N740fs.
Identifiers: ClinVar variation 1457219 (VCV001457219.7), dbSNP rs2106354296, ClinGen allele CA2573135570.
Genomic context (GRCh38, chr2:232,334,427, plus strand): 5'-AGGCTATAGGGAGCGACTAGACATGGCGCCCGATACCCTGCAGAAACAGGCGGACCACTG[TA>T]ACGACCGCCGCATGGCGTCCAAGCGCGTGCAGGAGCTCAGTACCAGTCTCTTCTTTGCTG-3'

ClinVar aggregate classification (germline): Pathogenic. Review status: criteria provided, multiple submitters, no conflicts (2 of 4 stars). 2 submissions from 2 submitters: Pathogenic (2). Last evaluated 2022-04-27.

Conditions:
Perlman syndrome (PRLMNS). Identifiers: Orphanet 2849, MedGen C0796113, MONDO:0009965, OMIM 267000.

Submissions (2):

Labcorp Genetics (formerly Invitae), Labcorp
Classification: Pathogenic for Perlman syndrome. Last evaluated: 2022-04-27. Review status: criteria provided, single submitter. Criteria: Invitae Variant Classification Sherloc (09022015). Collection method: clinical testing. Allele origin: germline.
Comment: This variant has not been reported in the literature in individuals affected with DIS3L2-related conditions. For these reasons, this variant has been classified as Pathogenic. This sequence change creates a premature translational stop signal (p.Asn740Thrfs*35) in the DIS3L2 gene. It is expected to result in an absent or disrupted protein product. Loss-of-function variants in DIS3L2 are known to be pathogenic (PMID: 22306653, 28328139). This variant is not present in population databases (gnomAD no frequency).

University Health Network, Familial Cancer Clinic, Princess Margaret Cancer Centre
Classification: Pathogenic for Perlman syndrome. Review status: criteria provided, single submitter. Criteria: ACMG Guidelines, 2015. Collection method: clinical testing. Allele origin: germline. Inheritance: Autosomal dominant inheritance. Affected: yes. Observed: 1 variant allele.

Literature cited by the submitters: PubMed 22306653 (cited by Labcorp Genetics (formerly Invitae), Labcorp); PubMed 28328139 (cited by Labcorp Genetics (formerly Invitae), Labcorp).